The following is an entry in ClinVar:

NM_000051.4(ATM):c.238C>A (p.Pro80Thr)

Gene: ATM (ATM serine/threonine kinase; plus strand). Cytogenetic location: 11q22.3.
Variant type: single nucleotide variant.
Coding change: c.238C>A on transcript NM_000051.4 (MANE Select); coding-DNA position 238, C replaced by A.
Protein change: p.Pro80Thr; replaces proline 80 with threonine.
Molecular consequence: missense variant.
Genome position (GRCh38, 1-based): chr11:108,229,230, C>A. VCF-style: chr11-108229230-C-A. GRCh37 (hg19) VCF-style: chr11-108099957-C-A.
Other names: c.238C>A, p.Pro80Thr (NM_001351834.2, NM_001351835.2, NM_001351836.2); short protein forms P80T.
Identifiers: ClinVar variation 1790537 (VCV001790537.4), dbSNP rs750597831, ClinGen allele CA382521505.

ClinVar aggregate classification (germline): Uncertain significance. Review status: criteria provided, multiple submitters, no conflicts (2 of 4 stars). 2 submissions from 2 submitters: Uncertain significance (2). Last evaluated 2024-05-28.

Conditions:
Ataxia-telangiectasia syndrome (AT). Also called: Ataxia-telangiectasia, complementation group D; AT, COMPLEMENTATION GROUP C; ATAXIA-TELANGIECTASIA, COMPLEMENTATION GROUP A; ATAXIA-TELANGIECTASIA, FRESNO VARIANT; Ataxia-telangiectasia; LOUIS-BAR SYNDROME. Identifiers: Orphanet 100, MedGen C0004135, MONDO:0008840, OMIM 208900.
Hereditary cancer-predisposing syndrome. Also called: Neoplastic Syndromes, Hereditary; Tumor predisposition; Hereditary neoplastic syndrome; Hereditary Cancer Syndrome. Identifiers: Orphanet 140162, MedGen C0027672, MeSH D009386, MONDO:0015356.

Submissions (2):

Labcorp Genetics (formerly Invitae), Labcorp
Classification: Uncertain significance for Ataxia-telangiectasia syndrome. Last evaluated: 2024-05-28. Review status: criteria provided, single submitter. Criteria: Invitae Variant Classification Sherloc (09022015). Collection method: clinical testing. Allele origin: germline.
Comment: This sequence change replaces proline, which is neutral and non-polar, with threonine, which is neutral and polar, at codon 80 of the ATM protein (p.Pro80Thr). This variant is not present in population databases (gnomAD no frequency). This variant has not been reported in the literature in individuals affected with ATM-related conditions. ClinVar contains an entry for this variant (Variation ID: 1790537). Advanced modeling of protein sequence and biophysical properties (such as structural, functional, and spatial information, amino acid conservation, physicochemical variation, residue mobility, and thermodynamic stability) performed at Invitae indicates that this missense variant is not expected to disrupt ATM protein function with a negative predictive value of 95%. In summary, the available evidence is currently insufficient to determine the role of this variant in disease. Therefore, it has been classified as a Variant of Uncertain Significance.

Ambry Genetics
Classification: Uncertain significance for Hereditary cancer-predisposing syndrome. Last evaluated: 2021-08-11. Review status: criteria provided, single submitter. Criteria: Ambry Variant Classification Scheme 2023. Collection method: clinical testing. Allele origin: germline.
Comment: The p.P80T variant (also known as c.238C>A), located in coding exon 3 of the ATM gene, results from a C to A substitution at nucleotide position 238. The proline at codon 80 is replaced by threonine, an amino acid with highly similar properties. This amino acid position is conserved. In addition, this alteration is predicted to be tolerated by in silico analysis. Since supporting evidence is limited at this time, the clinical significance of this alteration remains unclear.